The following is an entry in ClinVar:

ClinVar aggregate classification (germline): Uncertain significance. Review status: criteria provided, multiple submitters, no conflicts (2 of 4 stars). 2 submissions from 2 submitters: Uncertain significance (2). Last evaluated 2023-12-07.

Conditions:
Classic or attenuated familial adenomatous polyposis. Identifiers: MedGen CN372698, MONDO:0021057.
Hereditary cancer-predisposing syndrome. Also called: Neoplastic Syndromes, Hereditary; Tumor predisposition; Hereditary Cancer Syndrome; Hereditary neoplastic syndrome. Identifiers: Orphanet 140162, MedGen C0027672, MeSH D009386, MONDO:0015356.

Submissions (2):

All of Us Research Program, National Institutes of Health
Classification: Uncertain significance for Classic or attenuated familial adenomatous polyposis. Last evaluated: 2023-12-07. Review status: criteria provided, single submitter. Criteria: ACMG Guidelines, 2015. Collection method: clinical testing. Allele origin: germline. Inheritance: Autosomal dominant inheritance. Observed: 1 variant allele, 1 heterozygote.
Comment: This study involves interpretation of variants in research participants for the purpose of population health screening. Participant phenotype was not available at the time of variant classification. Additional details can be found in publication PMID: 35346344, PMCID: PMC8962531

Color Diagnostics, LLC DBA Color Health
Classification: Uncertain significance for Hereditary cancer-predisposing syndrome. Last evaluated: 2023-12-04. Review status: criteria provided, single submitter. Criteria: ACMG Guidelines, 2015. Collection method: clinical testing. Allele origin: germline.
Comment: This missense variant replaces glutamic acid with lysine at codon 2824 of the APC protein. Computational prediction suggests that this variant may not impact protein structure and function (internally defined REVEL score threshold <= 0.5, PMID: 27666373). To our knowledge, functional studies have not been reported for this variant. This variant has not been reported in individuals affected with APC-related disorders in the literature. This variant has not been identified in the general population by the Genome Aggregation Database (gnomAD). The available evidence is insufficient to determine the role of this variant in disease conclusively. Therefore, this variant is classified as a Variant of Uncertain Significance.

NM_000038.6(APC):c.8470G>A (p.Glu2824Lys)

Gene: APC (APC regulator of Wnt signaling pathway; plus strand). Cytogenetic location: 5q22.2.
Variant type: single nucleotide variant.
Coding change: c.8470G>A on transcript NM_000038.6 (MANE Select); coding-DNA position 8470, G replaced by A.
Protein change: p.Glu2824Lys; replaces glutamic acid 2824 with lysine.
Molecular consequence: missense variant.
Genome position (GRCh38, 1-based): chr5:112,844,064, G>A. VCF-style: chr5-112844064-G-A. GRCh37 (hg19) VCF-style: chr5-112179761-G-A.
Other names: c.8470G>A, p.Glu2824Lys (NM_001127510.3, NM_001354895.2); c.8416G>A, p.Glu2806Lys (NM_001127511.3); c.8524G>A, p.Glu2842Lys (NM_001354896.2); c.8500G>A, p.Glu2834Lys (NM_001354897.2); c.8395G>A, p.Glu2799Lys (NM_001354898.2); c.8386G>A, p.Glu2796Lys (NM_001354899.2); c.8347G>A, p.Glu2783Lys (NM_001354900.2); c.8293G>A, p.Glu2765Lys (NM_001354901.2); and 5 more; short protein forms E2723K, E2765K, E2541K, E2664K, E2698K, E2796K, E2824K, E2842K.
Identifiers: ClinVar variation 925621 (VCV000925621.5), dbSNP rs1766756042, ClinGen allele CA16039704.
Genomic context (GRCh38, chr5:112,844,064, plus strand): 5'-CAGATCCCAACTCCAGTGAATAACAACACAAAGAAGCGAGATTCCAAAACTGACAGCACA[G>A]AATCCAGTGGAACCCAAAGTCCTAAGCGCCATTCTGGGTCTTACCTTGTGACATCTGTTT-3'
Protein context (NP_000029.2, residues 2814-2834): KKRDSKTDST[Glu2824Lys]SSGTQSPKRH